The following is an entry in ClinVar:

NM_153605.4(CRYBG3):c.5247C>T (p.Asp1749=)

Gene: CRYBG3 (crystallin beta-gamma domain containing 3; plus strand). Cytogenetic location: 3q11.2.
Variant type: single nucleotide variant.
Coding change: c.5247C>T on transcript NM_153605.4 (MANE Select); coding-DNA position 5247, C replaced by T.
Protein change: p.Asp1749=; no amino-acid change (aspartic acid 1749 retained).
Molecular consequence: synonymous variant.
Genome position (GRCh38, 1-based): chr3:97,876,441, C>T. VCF-style: chr3-97876441-C-T. GRCh37 (hg19) VCF-style: chr3-97595285-C-T.
Identifiers: ClinVar variation 2653995 (VCV002653995.24), dbSNP rs146175676, ClinGen allele CA79535253.

ClinVar aggregate classification (germline): Likely benign (1 of 4 stars; one submission).

Allele frequency attached by ClinVar (database versions not stated): 1000 Genomes Project 0.00060; gnomAD exomes 0.00061; gnomAD 0.00068; TOPMed 0.00068; 1000 Genomes Project 30x 0.00078.
gnomAD v4.1: 752 of 1,231,966 alleles (0.061%); highest among the groups gnomAD compares: African/African-American, 0.14%; 2 homozygotes.

Submission:

CeGaT Center for Human Genetics Tuebingen
Classification: Likely benign. Last evaluated: 2022-10-01. Review status: criteria provided, single submitter. Criteria: CeGaT Center For Human Genetics Tuebingen Variant Classification Criteria Version 2. Collection method: clinical testing. Allele origin: germline. Affected: yes. Observed: 1 variant allele.
Comment: CRYBG3: BP4, BP7